The following is an entry in ClinVar:

ClinVar aggregate classification (germline): Benign/Likely benign. Review status: criteria provided, multiple submitters, no conflicts (2 of 4 stars). 3 submissions from 3 submitters: Benign (2); Likely benign (1). Last evaluated 2026-02-04.

Conditions:
Congenital lactic acidosis, Saguenay-Lac-Saint-Jean type (MC4DN5). Also called: MITOCHONDRIAL COMPLEX IV DEFICIENCY, NUCLEAR TYPE 5; CYTOCHROME c OXIDASE DEFICIENCY, FRENCH CANADIAN TYPE; COX DEFICIENCY, FRENCH CANADIAN TYPE. Identifiers: Orphanet 70472, MedGen C1857355, MONDO:0009069, OMIM 220111.

Allele frequency attached by ClinVar (database versions not stated): gnomAD exomes 0.00054; gnomAD 0.00552; 1000 Genomes Project 0.00579; ESP Exome Variant Server 0.00592; TOPMed 0.00601; 1000 Genomes Project 30x 0.00656.
gnomAD v4.1: 1,427 of 1,241,936 alleles (0.11%); highest among the groups gnomAD compares: African/African-American, 1.9%; 19 homozygotes.

Submissions (3):

Labcorp Genetics (formerly Invitae), Labcorp
Classification: Benign. Last evaluated: 2026-02-04. Review status: criteria provided, single submitter. Criteria: Invitae Variant Classification Sherloc (09022015). Collection method: clinical testing. Allele origin: germline.

Fulgent Genetics
Classification: Likely benign for Congenital lactic acidosis, Saguenay-Lac-Saint-Jean type. Last evaluated: 2021-10-13. Review status: criteria provided, single submitter. Criteria: ACMG Guidelines, 2015. Collection method: clinical testing. Allele origin: unknown.

GeneDx
Classification: Benign. Last evaluated: 2013-12-26. Review status: criteria provided, single submitter. Criteria: GeneDx Variant Classification (06012015). Collection method: clinical testing. Allele origin: germline. Affected: yes.
Comment: This variant is considered likely benign or benign based on one or more of the following criteria: it is a conservative change, it occurs at a poorly conserved position in the protein, it is predicted to be benign by multiple in silico algorithms, and/or has population frequency not consistent with disease.

NM_133259.4(LRPPRC):c.1736-14G>A

Gene: LRPPRC (leucine rich pentatricopeptide repeat containing; minus strand). Cytogenetic location: 2p21.
Variant type: single nucleotide variant.
Coding change: c.1736-14G>A on transcript NM_133259.4 (MANE Select); 14 bases into the intron before coding-DNA position 1736, G replaced by A.
Molecular consequence: intron variant.
Genome position (GRCh38, 1-based): chr2:43,948,532, C>T on the plus strand (G>A on the coding strand, the complement: LRPPRC is on the minus strand). VCF-style: chr2-43948532-C-T. GRCh37 (hg19) VCF-style: chr2-44175671-C-T.
Identifiers: ClinVar variation 138143 (VCV000138143.10), dbSNP rs116117684, ClinGen allele CA291971.